The following is an entry in ClinVar:

ClinVar aggregate classification (germline): Uncertain significance (1 of 4 stars; one submission).

Conditions:
Nizon-Isidor syndrome. Identifiers: MedGen C5394350, MONDO:0030030, OMIM 618872.

Submission:

3billion
Classification: Uncertain significance for Nizon-Isidor syndrome. Last evaluated: 2025-12-17. Review status: criteria provided, single submitter. Criteria: ACMG Guidelines, 2015. Collection method: clinical testing. Allele origin: germline. Affected: yes.
Comment: The variant is not observed in the gnomAD v4.1.0 dataset. Predicted Consequence/Location: Intron variant In silico tools predict the variant to alter splicing and produce an abnormal transcript [SpliceAI: 0.53 (>=0.2, moderate evidence for spliceogenicity)]. Therefore, this variant is classified as VUS according to the recommendation of ACMG/AMP guideline.

NM_001393769.1(MED12L):c.2251-71196A>G

Gene: MED12L (mediator complex subunit 12L; plus strand). Cytogenetic location: 3q25.1.
Variant type: single nucleotide variant.
Coding change: c.2251-71196A>G on transcript NM_001393769.1 (MANE Select); 71196 bases into the intron before coding-DNA position 2251, A replaced by G.
Molecular consequence: intron variant.
Genome position (GRCh38, 1-based): chr3:151,278,863, A>G. VCF-style: chr3-151278863-A-G. GRCh37 (hg19) VCF-style: chr3-150996651-A-G.
Other names: c.2146-71196A>G (NM_053002.6).
Identifiers: ClinVar variation 4854795 (VCV004854795.1).